The following is an entry in ClinVar:

ClinVar aggregate classification (germline): Uncertain significance (1 of 4 stars; one submission).

Conditions:
Inborn genetic diseases. Identifiers: MedGen C0950123, MeSH D030342.

gnomAD v4.1: 3 of 1,614,208 alleles (0.00019%); highest among the groups gnomAD compares: Non-Finnish European, 0.00025%; no homozygotes.

Submission:

Ambry Genetics
Classification: Uncertain significance for Inborn genetic diseases. Last evaluated: 2025-04-06. Review status: criteria provided, single submitter. Criteria: Ambry Variant Classification Scheme 2023. Collection method: clinical testing. Allele origin: germline.
Comment: The p.P243A variant (also known as c.727C>G), located in coding exon 6 of the FANCG gene, results from a C to G substitution at nucleotide position 727. The proline at codon 243 is replaced by alanine, an amino acid with highly similar properties. This amino acid position is conserved. In addition, this alteration is predicted to be tolerated by in silico analysis. Based on the available evidence, the clinical significance of this variant remains unclear.

NM_004629.2(FANCG):c.727C>G (p.Pro243Ala)

Gene: FANCG (FA complementation group G; minus strand). Cytogenetic location: 9p13.3.
Variant type: single nucleotide variant.
Coding change: c.727C>G on transcript NM_004629.2 (MANE Select); coding-DNA position 727, C replaced by G.
Protein change: p.Pro243Ala; replaces proline 243 with alanine.
Molecular consequence: missense variant.
Genome position (GRCh38, 1-based): chr9:35,077,021, G>C on the plus strand (C>G on the coding strand, the complement: FANCG is on the minus strand). VCF-style: chr9-35077021-G-C. GRCh37 (hg19) VCF-style: chr9-35077018-G-C.
Other names: short protein forms P243A.
Identifiers: ClinVar variation 4022478 (VCV004022478.1).